The following is an entry in ClinVar:

ClinVar aggregate classification (germline): Uncertain significance. Review status: criteria provided, multiple submitters, no conflicts (2 of 4 stars). 2 submissions from 2 submitters: Uncertain significance (2). Last evaluated 2025-02-20.

Conditions:
Inborn genetic diseases. Identifiers: MedGen C0950123, MeSH D030342.

gnomAD v4.1: 11 of 1,430,114 alleles (0.00077%); highest among the groups gnomAD compares: African/African-American, 0.017%; no homozygotes.

Submissions (2):

Ambry Genetics
Classification: Uncertain significance for Inborn genetic diseases. Last evaluated: 2025-02-20. Review status: criteria provided, single submitter. Criteria: Ambry Variant Classification Scheme 2023. Collection method: clinical testing. Allele origin: germline.
Comment: The p.P77R variant (also known as c.230C>G), located in coding exon 1 of the KDM1A gene, results from a C to G substitution at nucleotide position 230. The proline at codon 77 is replaced by arginine, an amino acid with dissimilar properties. This amino acid position is conserved. In addition, this alteration is predicted to be tolerated by in silico analysis. Based on the available evidence, the clinical significance of this variant remains unclear.

Labcorp Genetics (formerly Invitae), Labcorp
Classification: Uncertain significance. Last evaluated: 2025-02-17. Review status: criteria provided, single submitter. Criteria: Invitae Variant Classification Sherloc (09022015). Collection method: clinical testing. Allele origin: germline.
Comment: This sequence change replaces proline, which is neutral and non-polar, with arginine, which is basic and polar, at codon 77 of the KDM1A protein (p.Pro77Arg). This variant is present in population databases (no rsID available, gnomAD 0.02%). This variant has not been reported in the literature in individuals affected with KDM1A-related conditions. An algorithm developed to predict the effect of missense changes on protein structure and function (PolyPhen-2) suggests that this variant is likely to be tolerated. In summary, the available evidence is currently insufficient to determine the role of this variant in disease. Therefore, it has been classified as a Variant of Uncertain Significance.

NM_001009999.3(KDM1A):c.230C>G (p.Pro77Arg)

Gene: KDM1A (lysine demethylase 1A; plus strand). Cytogenetic location: 1p36.12.
Variant type: single nucleotide variant.
Coding change: c.230C>G on transcript NM_001009999.3 (MANE Select); coding-DNA position 230, C replaced by G.
Protein change: p.Pro77Arg; replaces proline 77 with arginine.
Molecular consequence: missense variant.
Genome position (GRCh38, 1-based): chr1:23,019,826, C>G. VCF-style: chr1-23019826-C-G. GRCh37 (hg19) VCF-style: chr1-23346319-C-G.
Other names: c.230C>G, p.Pro77Arg (NM_001363654.2, NM_001410762.1, NM_001410763.1 and 1 more transcripts); c.230C>G (NM_001009999.2); short protein forms P77R.
Identifiers: ClinVar variation 3701571 (VCV003701571.3).
Genomic context (GRCh38, chr1:23,019,826, plus strand): 5'-AGCGCACACCCCGCAAGAAAGAGCCTCCGCGGGCCTCGCCCCCCGGGGGCCTGGCGGAAC[C>G]GCCGGGGTCCGCAGGGCCTCAGGCCGGCCCTACTGTCGTGCCTGGGTCTGCGACCCCCAT-3'
Protein context (NP_001009999.1, residues 67-87): RASPPGGLAE[Pro77Arg]PGSAGPQAGP